The following is an entry in ClinVar:

ClinVar aggregate classification (germline): Uncertain significance (1 of 4 stars; one submission).

Conditions:
Ullrich congenital muscular dystrophy 2 (UCMD2). Identifiers: Orphanet 75840, MedGen C4225314, MONDO:0014654, OMIM 616470.
Bethlem myopathy 2 (BTHLM2). Identifiers: Orphanet 536516, Orphanet 610, MedGen C4225313, MONDO:0034022, OMIM 616471.

Allele frequency attached by ClinVar (database versions not stated): TOPMed below 0.00001; gnomAD 0.00001.
gnomAD v4.1: 1 of 1,611,382 alleles (0.000062%); highest among the groups gnomAD compares: Non-Finnish European, 0.000085%; no homozygotes.

Submission:

Labcorp Genetics (formerly Invitae), Labcorp
Classification: Uncertain significance for Bethlem myopathy 2; Ullrich congenital muscular dystrophy 2. Last evaluated: 2022-06-28. Review status: criteria provided, single submitter. Criteria: Invitae Variant Classification Sherloc (09022015). Collection method: clinical testing. Allele origin: germline.
Comment: In summary, the available evidence is currently insufficient to determine the role of this variant in disease. Therefore, it has been classified as a Variant of Uncertain Significance. Advanced modeling of protein sequence and biophysical properties (such as structural, functional, and spatial information, amino acid conservation, physicochemical variation, residue mobility, and thermodynamic stability) performed at Invitae indicates that this missense variant is expected to disrupt COL12A1 protein function. This variant has not been reported in the literature in individuals affected with COL12A1-related conditions. This variant is present in population databases (no rsID available, gnomAD 0.007%). This sequence change replaces proline, which is neutral and non-polar, with serine, which is neutral and polar, at codon 1487 of the COL12A1 protein (p.Pro1487Ser).

NM_004370.6(COL12A1):c.4459C>T (p.Pro1487Ser)

Gene: COL12A1 (collagen type XII alpha 1 chain; minus strand). Cytogenetic location: 6q13.
Variant type: single nucleotide variant.
Coding change: c.4459C>T on transcript NM_004370.6 (MANE Select); coding-DNA position 4459, C replaced by T.
Protein change: p.Pro1487Ser; replaces proline 1487 with serine.
Molecular consequence: missense variant.
Genome position (GRCh38, 1-based): chr6:75,146,203, G>A on the plus strand (C>T on the coding strand, the complement: COL12A1 is on the minus strand). VCF-style: chr6-75146203-G-A. GRCh37 (hg19) VCF-style: chr6-75855919-G-A.
Other names: c.967C>T, p.Pro323Ser (NM_080645.3); short protein forms P1487S, P323S.
Identifiers: ClinVar variation 1394230 (VCV001394230.6), dbSNP rs1220345277, ClinGen allele CA364743937.